The following is an entry in ClinVar:

ClinVar aggregate classification (germline): Uncertain significance (1 of 4 stars; one submission).

Submission:

Dasa
Classification: Uncertain significance. Last evaluated: 2026-06-23. Review status: criteria provided, single submitter. Criteria: DASA Assertion Criteria. Collection method: clinical testing. Allele origin: germline.
Comment: NM_017780.4(CHD7):c.3299G>T (p.Arg1100Leu) is a missense variant that results in the substitution of arginine with leucine. This variant is absent from population databases. Computational prediction algorithms are consistent with a deleterious effect. The currently available literature and clinical evidence are not sufficient to establish a definitive association between this variant and the reported condition. Therefore, this variant is classified as a variant of uncertain significance.

NM_017780.4(CHD7):c.3299G>T (p.Arg1100Leu)

Gene: CHD7 (chromodomain helicase DNA binding protein 7; plus strand). Cytogenetic location: 8q12.2.
Variant type: single nucleotide variant.
Coding change: c.3299G>T on transcript NM_017780.4 (MANE Select); coding-DNA position 3299, G replaced by T.
Protein change: p.Arg1100Leu; replaces arginine 1100 with leucine.
Molecular consequence: missense variant. On other transcripts: intron variant (1).
Genome position (GRCh38, 1-based): chr8:60,823,937, G>T. VCF-style: chr8-60823937-G-T. GRCh37 (hg19) VCF-style: chr8-61736496-G-T.
Other names: c.1717-38292G>T (NM_001316690.1); short protein forms R1100L.
Identifiers: ClinVar variation 5020316 (VCV005020316.1).